The following is an entry in ClinVar:

ClinVar aggregate classification (germline): Conflicting classifications of pathogenicity. Review status: criteria provided, conflicting classifications (1 of 4 stars). 2 submissions from 2 submitters: Uncertain significance (1); Likely benign (1). Last evaluated 2026-02-04.

Conditions:
Cardiovascular phenotype. Identifiers: MedGen CN230736.
ALMS1-related disorder. Also called: ALMS1-related condition.

Submissions (2):

PreventionGenetics, part of Exact Sciences
Classification: Uncertain significance for ALMS1-related condition. Last evaluated: 2026-02-04. Review status: criteria provided, single submitter. Criteria: ACMG Guidelines, 2015. Collection method: clinical testing. Allele origin: germline.
Comment: The ALMS1 c.6104A>G variant is predicted to result in the amino acid substitution p.Gln2035Arg. To our knowledge, this variant has not been reported in the literature or in a large population database (gnomAD), indicating this variant is rare. At this time, the clinical significance of this variant is uncertain due to the absence of conclusive functional and genetic evidence.

Ambry Genetics
Classification: Likely benign for Cardiovascular phenotype. Last evaluated: 2024-12-23. Review status: criteria provided, single submitter. Criteria: Ambry Variant Classification Scheme 2023. Collection method: clinical testing. Allele origin: germline.

NM_001378454.1(ALMS1):c.6101A>G (p.Asn2034Ser)

Gene: ALMS1 (ALMS1 centrosome and basal body associated protein; plus strand). Cytogenetic location: 2p13.1.
Variant type: single nucleotide variant.
Coding change: c.6101A>G on transcript NM_001378454.1 (MANE Select); coding-DNA position 6101, A replaced by G.
Protein change: p.Asn2034Ser; replaces asparagine 2034 with serine.
Molecular consequence: missense variant.
Genome position (GRCh38, 1-based): chr2:73,452,628, A>G. VCF-style: chr2-73452628-A-G. GRCh37 (hg19) VCF-style: chr2-73679755-A-G.
Other names: c.6104A>G, p.Asn2035Ser (NM_015120.4); short protein forms N2035S, N2034S.
Identifiers: ClinVar variation 3857273 (VCV003857273.2).